The following is an entry in ClinVar:

ClinVar aggregate classification (germline): Uncertain significance (1 of 4 stars; one submission).

Conditions:
Primary ciliary dyskinesia. Also called: Ciliary dyskinesia. Identifiers: Orphanet 244, MedGen C0008780, MONDO:0016575, HP:0012265.

Submission:

Labcorp Genetics (formerly Invitae), Labcorp
Classification: Uncertain significance for Primary ciliary dyskinesia. Last evaluated: 2022-03-19. Review status: criteria provided, single submitter. Criteria: Invitae Variant Classification Sherloc (09022015). Collection method: clinical testing. Allele origin: germline.
Comment: This variant, c.591_593del, results in the deletion of 1 amino acid(s) of the RSPH9 protein (p.Lys197del), but otherwise preserves the integrity of the reading frame. This variant is present in population databases (rs776840532, gnomAD 0.003%). This variant has not been reported in the literature in individuals affected with RSPH9-related conditions. Experimental studies and prediction algorithms are not available or were not evaluated, and the functional significance of this variant is currently unknown. In summary, the available evidence is currently insufficient to determine the role of this variant in disease. Therefore, it has been classified as a Variant of Uncertain Significance.

NM_152732.5(RSPH9):c.591_593del (p.Lys197del)

Gene: RSPH9 (radial spoke head component 9; plus strand). Cytogenetic location: 6p21.1.
Variant type: Deletion.
Coding change: c.591_593del on transcript NM_152732.5 (MANE Select); coding-DNA positions 591 to 593, 3 bases deleted (GAA; older notation c.591_593delGAA).
Protein change: p.Lys197del; deletes lysine 197.
Molecular consequence: inframe deletion. On other transcripts: non-coding transcript variant (2).
Genome position (GRCh38, 1-based): chr6:43,656,644-43,656,646, GAA deleted; deleting any 3 consecutive bases within chr6:43,656,642-43,656,646 gives the same sequence; the c. name uses the placement nearest the transcript's 3' end. VCF-style (leftmost placement, unchanged base first): chr6-43656641-AAAG-A. GRCh37 (hg19) VCF-style: chr6-43624378-AAAG-A.
Other names: c.546_548del, p.Lys182del (NM_001193341.2, NM_001424120.1); c.591_593del, p.Lys197del (NM_001424119.1, NM_001424121.1); short protein forms K197del, K182del.
Identifiers: ClinVar variation 2202091 (VCV002202091.1), dbSNP rs776840532, ClinGen allele CA3828343.
Genomic context (GRCh38, chr6:43,656,641, plus strand): 5'-GTCCTTGTCTGAGGCCAAGAAGCTCAGCTCCTACTTCCATTTCAGGGAGCCTGTTGAGCT[AAAG>A]AATAAGACCTTGCTTGAGAAGGCTGACCTGGACCCCTCCCTGGATTTCATGGACTCCTTG-3'